The following is an entry in ClinVar:

ClinVar aggregate classification (germline): Uncertain significance (1 of 4 stars; one submission).

Conditions:
Hereditary cancer-predisposing syndrome. Also called: Neoplastic Syndromes, Hereditary; Tumor predisposition; Hereditary neoplastic syndrome; Hereditary Cancer Syndrome. Identifiers: Orphanet 140162, MedGen C0027672, MeSH D009386, MONDO:0015356.

gnomAD v4.1: 1 of 1,607,780 alleles (0.000062%); highest among the groups gnomAD compares: Admixed American, 0.0017%; no homozygotes.

Submission:

Ambry Genetics
Classification: Uncertain significance for Hereditary cancer-predisposing syndrome. Last evaluated: 2026-08-26. Review status: criteria provided, single submitter. Criteria: Ambry Variant Classification Scheme 2023. Collection method: clinical testing. Allele origin: germline.
Comment: The p.I429L variant (also known as c.1285A>T), located in coding exon 9 of the RAD50 gene, results from an A to T substitution at nucleotide position 1285. The isoleucine at codon 429 is replaced by leucine, an amino acid with highly similar properties. This amino acid position is conserved. In addition, this alteration is predicted to be tolerated by in silico analysis. Based on the available evidence, the clinical significance of this variant remains unclear.

NM_005732.4(RAD50):c.1285A>T (p.Ile429Leu)

Gene: RAD50 (RAD50 double strand break repair protein; plus strand). Cytogenetic location: 5q31.1.
Variant type: single nucleotide variant.
Coding change: c.1285A>T on transcript NM_005732.4 (MANE Select); coding-DNA position 1285, A replaced by T.
Protein change: p.Ile429Leu; replaces isoleucine 429 with leucine.
Molecular consequence: missense variant.
Genome position (GRCh38, 1-based): chr5:132,589,670, A>T. VCF-style: chr5-132589670-A-T. GRCh37 (hg19) VCF-style: chr5-131925362-A-T.
Other names: short protein forms I429L.
Identifiers: ClinVar variation 5027737 (VCV005027737.1).